The following is an entry in ClinVar:

ClinVar aggregate classification (germline): Uncertain significance. Review status: criteria provided, multiple submitters, no conflicts (2 of 4 stars). 4 submissions from 4 submitters: Uncertain significance (4). Last evaluated 2026-05-26.

Conditions:
Spermatogenic failure 18. Identifiers: MedGen C4539783, MONDO:0054615, OMIM 617576.
Ciliary dyskinesia, primary, 37 (CILD37). Also called: CILIARY DYSKINESIA, PRIMARY, 37, WITH OR WITHOUT SITUS INVERSUS. Identifiers: MedGen C4539798, MONDO:0033204, OMIM 617577.

Allele frequency attached by ClinVar (database versions not stated): gnomAD 0.00001; TOPMed 0.00001; gnomAD exomes 0.00002; ExAC 0.00001.
gnomAD v4.1: 24 of 1,613,270 alleles (0.0015%); highest among the groups gnomAD compares: Middle Eastern, 0.049%; no homozygotes.

Submissions (4):

GeneDx
Classification: Uncertain significance. Last evaluated: 2026-05-26. Review status: criteria provided, single submitter. Criteria: GeneDx Variant Classification Process June 2021. Collection method: clinical testing. Allele origin: germline.
Comment: In silico analysis supports that this missense variant has a deleterious effect on protein structure/function; Has not been previously published as pathogenic or benign to our knowledge

Mayo Clinic Laboratories, Mayo Clinic
Classification: Uncertain significance. Last evaluated: 2023-11-08. Review status: criteria provided, single submitter. Criteria: ACMG Guidelines, 2015. Collection method: clinical testing. Allele origin: germline. Observed: 1 variant allele.
Comment: PM2

Labcorp Genetics (formerly Invitae), Labcorp
Classification: Uncertain significance for Ciliary dyskinesia, primary, 37; Spermatogenic failure 18. Last evaluated: 2022-08-16. Review status: criteria provided, single submitter. Criteria: Invitae Variant Classification Sherloc (09022015). Collection method: clinical testing. Allele origin: germline.
Comment: This sequence change replaces arginine, which is basic and polar, with histidine, which is basic and polar, at codon 2287 of the DNAH1 protein (p.Arg2287His). This variant is present in population databases (rs760638746, gnomAD 0.01%). This variant has not been reported in the literature in individuals affected with DNAH1-related conditions. ClinVar contains an entry for this variant (Variation ID: 1435541). Algorithms developed to predict the effect of missense changes on protein structure and function are either unavailable or do not agree on the potential impact of this missense change (SIFT: "Deleterious"; PolyPhen-2: "Probably Damaging"; Align-GVGD: "Class C0"). In summary, the available evidence is currently insufficient to determine the role of this variant in disease. Therefore, it has been classified as a Variant of Uncertain Significance.

Ambry Genetics
Classification: Uncertain significance. Last evaluated: 2022-04-07. Review status: criteria provided, single submitter. Criteria: Ambry Variant Classification Scheme 2023. Collection method: clinical testing. Allele origin: germline.

NM_015512.5(DNAH1):c.6860G>A (p.Arg2287His)

Gene: DNAH1 (dynein axonemal heavy chain 1; plus strand). Cytogenetic location: 3p21.1.
Variant type: single nucleotide variant.
Coding change: c.6860G>A on transcript NM_015512.5 (MANE Select); coding-DNA position 6860, G replaced by A.
Protein change: p.Arg2287His; replaces arginine 2287 with histidine.
Molecular consequence: missense variant.
Genome position (GRCh38, 1-based): chr3:52,372,928, G>A. VCF-style: chr3-52372928-G-A. GRCh37 (hg19) VCF-style: chr3-52406944-G-A.
Other names: p.Arg2287His; c.6860G>A (NM_015512.4); short protein forms R2287H.
Identifiers: ClinVar variation 1435541 (VCV001435541.7), dbSNP rs760638746, ClinGen allele CA2434668.